The following is an entry in ClinVar:

NM_001253852.3(AP4B1):c.182A>T (p.Asp61Val)

Gene: AP4B1 (adaptor related protein complex 4 subunit beta 1; minus strand). Cytogenetic location: 1p13.2.
Variant type: single nucleotide variant.
Coding change: c.182A>T on transcript NM_001253852.3 (MANE Select); coding-DNA position 182, A replaced by T.
Protein change: p.Asp61Val; replaces aspartic acid 61 with valine.
Molecular consequence: missense variant. On other transcripts: intron variant (2).
Genome position (GRCh38, 1-based): chr1:113,902,794, T>A on the plus strand (A>T on the coding strand, the complement: AP4B1 is on the minus strand). VCF-style: chr1-113902794-T-A. GRCh37 (hg19) VCF-style: chr1-114445416-T-A.
Other names: c.182A>T, p.Asp61Val (NM_006594.5); c.-56-60A>T (NM_001253853.3); c.113+1811A>T (NM_001308312.2); short protein forms D61V.
Identifiers: ClinVar variation 2128491 (VCV002128491.4), dbSNP rs1668450720, ClinGen allele CA341691906.
Genomic context (GRCh38, chr1:113,902,794, plus strand): 5'-TCTGGTTTCAGGGGAGCATATGTGCACATGTACAGATAAACCAACTTCTTCTGGACAATA[T>A]CTACAGTGGCACTGGCCTTCACCATTTCCATAAAAACACCAGACATGTCCAAGCCTTGAG-3'
Protein context (NP_001240781.1, residues 51-71): MEMVKASATV[Asp61Val]IVQKKLVYLY

ClinVar aggregate classification (germline): Uncertain significance (1 of 4 stars; one submission).

Conditions:
Hereditary spastic paraplegia 47. Also called: Spastic paraplegia 47, autosomal recessive; adaptor protein 4 (AP-4) deficiency syndrome; CEREBRAL PALSY, SPASTIC QUADRIPLEGIC, 5. Identifiers: Orphanet 280763, MedGen C3279738, MONDO:0013551, OMIM 614066.

gnomAD v4.1: 4 of 1,614,204 alleles (0.00025%); highest among the groups gnomAD compares: Non-Finnish European, 0.00034%; no homozygotes.

Submission:

Labcorp Genetics (formerly Invitae), Labcorp
Classification: Uncertain significance for Hereditary spastic paraplegia 47. Last evaluated: 2022-08-16. Review status: criteria provided, single submitter. Criteria: Invitae Variant Classification Sherloc (09022015). Collection method: clinical testing. Allele origin: germline.
Comment: In summary, the available evidence is currently insufficient to determine the role of this variant in disease. Therefore, it has been classified as a Variant of Uncertain Significance. Algorithms developed to predict the effect of missense changes on protein structure and function are either unavailable or do not agree on the potential impact of this missense change (SIFT: "Deleterious"; PolyPhen-2: "Probably Damaging"; Align-GVGD: "Class C0"). This variant has not been reported in the literature in individuals affected with AP4B1-related conditions. This variant is not present in population databases (gnomAD no frequency). This sequence change replaces aspartic acid, which is acidic and polar, with valine, which is neutral and non-polar, at codon 61 of the AP4B1 protein (p.Asp61Val).